The following is an entry in ClinVar:

NM_000543.5(SMPD1):c.424G>A (p.Asp142Asn)

Gene: SMPD1 (sphingomyelin phosphodiesterase 1; plus strand). Cytogenetic location: 11p15.4.
Variant type: single nucleotide variant.
Coding change: c.424G>A on transcript NM_000543.5 (MANE Select); coding-DNA position 424, G replaced by A.
Protein change: p.Asp142Asn; replaces aspartic acid 142 with asparagine.
Molecular consequence: missense variant. On other transcripts: 5 prime UTR variant (1), non-coding transcript variant (2).
Genome position (GRCh38, 1-based): chr11:6,391,489, G>A. VCF-style: chr11-6391489-G-A. GRCh37 (hg19) VCF-style: chr11-6412719-G-A.
Other names: c.421G>A, p.Asp141Asn (NM_001007593.3); c.424G>A, p.Asp142Asn (NM_001318087.2, NM_001365135.2); c.-538G>A (NM_001318088.2); short protein forms D142N, D141N.
Identifiers: ClinVar variation 3166643 (VCV003166643.3), dbSNP rs748395897, ClinGen allele CA5852598.

ClinVar aggregate classification (germline): Uncertain significance. Review status: criteria provided, multiple submitters, no conflicts (2 of 4 stars). 3 submissions from 3 submitters: Uncertain significance (3). Last evaluated 2025-04-02.

Conditions:
Inborn genetic diseases. Identifiers: MedGen C0950123, MeSH D030342.
SMPD1-related disorder. Also called: SMPD1-related condition.

Allele frequency attached by ClinVar (database versions not stated): gnomAD exomes 0.00001; ExAC 0.00002; gnomAD 0.00002; TOPMed 0.00002.

Submissions (3):

PreventionGenetics, part of Exact Sciences
Classification: Uncertain significance for SMPD1-related condition. Last evaluated: 2025-04-02. Review status: criteria provided, single submitter. Criteria: ACMG Guidelines, 2015. Collection method: clinical testing. Allele origin: germline.
Comment: The SMPD1 c.424G>A variant is predicted to result in the amino acid substitution p.Asp142Asn. To our knowledge, this variant has not been reported in the literature. This variant is reported in 0.0054% of alleles in individuals of European (Non-Finnish) descent in gnomAD. At this time, the clinical significance of this variant is uncertain due to the absence of conclusive functional and genetic evidence.

GeneDx
Classification: Uncertain significance. Last evaluated: 2024-07-16. Review status: criteria provided, single submitter. Criteria: GeneDx Variant Classification Process June 2021. Collection method: clinical testing. Allele origin: germline. Affected: yes.
Comment: Not observed at significant frequency in large population cohorts (gnomAD); In silico analysis indicates that this missense variant does not alter protein structure/function; Has not been previously published as pathogenic or benign to our knowledge

Ambry Genetics
Classification: Uncertain significance for Inborn genetic diseases. Last evaluated: 2023-12-11. Review status: criteria provided, single submitter. Criteria: Ambry Variant Classification Scheme 2023. Collection method: clinical testing. Allele origin: germline.